The following is an entry in ClinVar:

NM_182961.4(SYNE1):c.11657T>C (p.Leu3886Pro)

Gene: SYNE1 (spectrin repeat containing nuclear envelope protein 1; minus strand). Cytogenetic location: 6q25.2.
Variant type: single nucleotide variant.
Coding change: c.11657T>C on transcript NM_182961.4 (MANE Select); coding-DNA position 11657, T replaced by C.
Protein change: p.Leu3886Pro; replaces leucine 3886 with proline.
Molecular consequence: missense variant.
Genome position (GRCh38, 1-based): chr6:152,350,694, A>G on the plus strand (T>C on the coding strand, the complement: SYNE1 is on the minus strand). VCF-style: chr6-152350694-A-G. GRCh37 (hg19) VCF-style: chr6-152671829-A-G.
Other names: c.11612T>C, p.Leu3871Pro (NM_033071.5); short protein forms L3886P, L3871P.
Identifiers: ClinVar variation 2115272 (VCV002115272.4), dbSNP rs2487655980, ClinGen allele CA366118351.
Genomic context (GRCh38, chr6:152,350,694, plus strand): 5'-AGGTCCTGGTAATCACTTTGAAGTTGATCTATTTTGTCCTTTAAAGTGACGTCCTGCACC[A>G]GTTCCAAAAGAGCTTCACCCTTCTCTCTCACTGACTTTACTGATGGTTCATGGGACAGCA-3'
Protein context (NP_892006.3, residues 3876-3896): VREKGEALLE[Leu3886Pro]VQDVTLKDKI

ClinVar aggregate classification (germline): Uncertain significance (1 of 4 stars; one submission).

Conditions:
Emery-Dreifuss muscular dystrophy 4, autosomal dominant (EDMD4). Also called: EMERY-DREIFUSS MUSCULAR DYSTROPHY 4 WITH VARIABLE FEATURES. Identifiers: Orphanet 261, MedGen C2751807, MONDO:0013071, OMIM 612998.
Autosomal recessive ataxia, Beauce type. Also called: SYNE1 Deficiency; Spinocerebellar ataxia, autosomal recessive 8; ATAXIA, RECESSIVE, OF BEAUCE; SYNE1-Related Autosomal Recessive Cerebellar Ataxia. Identifiers: Orphanet 88644, MedGen C1853116, MONDO:0012549, OMIM 610743.

Submission:

Labcorp Genetics (formerly Invitae), Labcorp
Classification: Uncertain significance for Emery-Dreifuss muscular dystrophy 4, autosomal dominant; Autosomal recessive ataxia, Beauce type. Last evaluated: 2022-03-20. Review status: criteria provided, single submitter. Criteria: Invitae Variant Classification Sherloc (09022015). Collection method: clinical testing. Allele origin: germline.
Comment: In summary, the available evidence is currently insufficient to determine the role of this variant in disease. Therefore, it has been classified as a Variant of Uncertain Significance. This sequence change replaces leucine, which is neutral and non-polar, with proline, which is neutral and non-polar, at codon 3871 of the SYNE1 protein (p.Leu3871Pro). This variant is not present in population databases (gnomAD no frequency). This variant has not been reported in the literature in individuals affected with SYNE1-related conditions. Algorithms developed to predict the effect of missense changes on protein structure and function (SIFT, PolyPhen-2, Align-GVGD) all suggest that this variant is likely to be disruptive.